The following is an entry in ClinVar:

ClinVar aggregate classification (germline): Uncertain significance (1 of 4 stars; one submission).

Submission:

Labcorp Genetics (formerly Invitae), Labcorp
Classification: Uncertain significance. Last evaluated: 2024-09-29. Review status: criteria provided, single submitter. Criteria: Invitae Variant Classification Sherloc (09022015). Collection method: clinical testing. Allele origin: germline.
Comment: This sequence change replaces alanine, which is neutral and non-polar, with proline, which is neutral and non-polar, at codon 822 of the KMT2A protein (p.Ala822Pro). This variant is not present in population databases (gnomAD no frequency). This variant has not been reported in the literature in individuals affected with KMT2A-related conditions. ClinVar contains an entry for this variant (Variation ID: 2078802). Invitae Evidence Modeling of protein sequence and biophysical properties (such as structural, functional, and spatial information, amino acid conservation, physicochemical variation, residue mobility, and thermodynamic stability) indicates that this missense variant is not expected to disrupt KMT2A protein function with a negative predictive value of 95%. In summary, the available evidence is currently insufficient to determine the role of this variant in disease. Therefore, it has been classified as a Variant of Uncertain Significance.

NM_001197104.2(KMT2A):c.2464G>C (p.Ala822Pro)

Gene: KMT2A (lysine methyltransferase 2A; plus strand). Cytogenetic location: 11q23.3.
Variant type: single nucleotide variant.
Coding change: c.2464G>C on transcript NM_001197104.2 (MANE Select); coding-DNA position 2464, G replaced by C.
Protein change: p.Ala822Pro; replaces alanine 822 with proline.
Molecular consequence: missense variant.
Genome position (GRCh38, 1-based): chr11:118,473,623, G>C. VCF-style: chr11-118473623-G-C. GRCh37 (hg19) VCF-style: chr11-118344338-G-C.
Other names: c.2563G>C, p.Ala855Pro (NM_001412597.1); c.2464G>C, p.Ala822Pro (NM_005933.4); short protein forms A855P, A822P.
Identifiers: ClinVar variation 2078802 (VCV002078802.4), dbSNP rs1555036567, ClinGen allele CA382815500.